The following is an entry in ClinVar:

ClinVar aggregate classification (germline): Likely benign (1 of 4 stars; one submission).

Allele frequency attached by ClinVar (database versions not stated): gnomAD exomes below 0.00001; TOPMed 0.00001.
gnomAD v4.1: 2 of 1,595,670 alleles (0.00013%); highest among the groups gnomAD compares: South Asian, 0.0011%; no homozygotes.

Submission:

CeGaT Center for Human Genetics Tuebingen
Classification: Likely benign. Last evaluated: 2022-08-01. Review status: criteria provided, single submitter. Criteria: CeGaT Center For Human Genetics Tuebingen Variant Classification Criteria Version 2. Collection method: clinical testing. Allele origin: germline. Affected: yes. Observed: 1 variant allele.
Comment: PKD1: BP4, BP7

NM_001009944.3(PKD1):c.2514G>A (p.Val838=)

Gene: PKD1 (polycystin 1, transient receptor potential channel interacting; minus strand). Cytogenetic location: 16p13.3.
Variant type: single nucleotide variant.
Coding change: c.2514G>A on transcript NM_001009944.3 (MANE Select); coding-DNA position 2514, G replaced by A.
Protein change: p.Val838=; no amino-acid change (valine 838 retained).
Molecular consequence: synonymous variant.
Genome position (GRCh38, 1-based): chr16:2,114,509, C>T on the plus strand (G>A on the coding strand, the complement: PKD1 is on the minus strand). VCF-style: chr16-2114509-C-T. GRCh37 (hg19) VCF-style: chr16-2164510-C-T.
Other names: c.2514G>A, p.Val838= (NM_000296.4).
Identifiers: ClinVar variation 2646023 (VCV002646023.24), dbSNP rs1447865244, ClinGen allele CA493049781.